The following is an entry in ClinVar:

NM_001384732.1(CPLANE1):c.2353C>T (p.Arg785Ter)

Gene: CPLANE1 (ciliogenesis and planar polarity effector complex subunit 1; minus strand). Cytogenetic location: 5p13.2.
Variant type: single nucleotide variant.
Coding change: c.2353C>T on transcript NM_001384732.1 (MANE Select); coding-DNA position 2353, C replaced by T.
Protein change: p.Arg785Ter; replaces arginine 785 with a stop codon.
Molecular consequence: nonsense.
Genome position (GRCh38, 1-based): chr5:37,224,679, G>A on the plus strand (C>T on the coding strand, the complement: CPLANE1 is on the minus strand). VCF-style: chr5-37224679-G-A. GRCh37 (hg19) VCF-style: chr5-37224781-G-A.
Other names: c.2353C>T, p.Arg785Ter (NM_023073.4); short protein forms R785*.
Identifiers: ClinVar variation 217584 (VCV000217584.14), dbSNP rs863225163, ClinGen allele CA279458.

ClinVar aggregate classification (germline): Pathogenic. Review status: criteria provided, multiple submitters, no conflicts (2 of 4 stars). 6 submissions from 6 submitters: Pathogenic (6). Last evaluated 2024-11-11.

Conditions:
Orofaciodigital syndrome type 6 (OFD6). Also called: VARADI SYNDROME; VARADI-PAPP SYNDROME; Oral-facial-digital syndrome type 6; Central polydactyly cleft lip/palate or lingual lump and psychomotor retardation; Y-shaped central metacarpal and cerebellar defect; Joubert syndrome with orofacialdigital anomalies. Identifiers: Orphanet 2754, MedGen C2745997, MONDO:0010176, OMIM 277170.
Joubert syndrome 17 (JBTS17). Identifiers: Orphanet 475, MedGen C3553264, MONDO:0013824, OMIM 614615.

Allele frequency attached by ClinVar (database versions not stated): gnomAD exomes 0.00001 and 0.00003; TOPMed 0.00002; gnomAD 0.00003 and 0.00004.
gnomAD v4.1: 17 of 1,551,478 alleles (0.0011%); highest among the groups gnomAD compares: South Asian, 0.012%; no homozygotes.

Submissions (6):

Labcorp Genetics (formerly Invitae), Labcorp
Classification: Pathogenic. Last evaluated: 2024-11-11. Review status: criteria provided, single submitter. Criteria: Invitae Variant Classification Sherloc (09022015). Collection method: clinical testing. Allele origin: germline.
Comment: This sequence change creates a premature translational stop signal (p.Arg785*) in the CPLANE1 gene. It is expected to result in an absent or disrupted protein product. Loss-of-function variants in CPLANE1 are known to be pathogenic (PMID: 24178751, 26092869). This variant is present in population databases (no rsID available, gnomAD 0.01%). This premature translational stop signal has been observed in individual(s) with Joubert syndrome (PMID: 26092869). ClinVar contains an entry for this variant (Variation ID: 217584). Algorithms developed to predict the effect of sequence changes on RNA splicing suggest that this variant may disrupt the consensus splice site. For these reasons, this variant has been classified as Pathogenic.

Fulgent Genetics
Classification: Pathogenic for Orofaciodigital syndrome type 6; Joubert syndrome 17. Last evaluated: 2024-02-26. Review status: criteria provided, single submitter. Criteria: ACMG Guidelines, 2015. Collection method: clinical testing. Allele origin: germline.

GeneDx
Classification: Pathogenic. Last evaluated: 2021-04-01. Review status: criteria provided, single submitter. Criteria: GeneDx Variant Classification Process June 2021. Collection method: clinical testing. Allele origin: germline. Affected: yes.
Comment: Observed with pathogenic CPLANE1 variants in individuals with CPLANE1-related clinical features in published literature (Bachmann-Gagescu et al., 2015) and referred for genetic testing at GeneDx, however, it is unclear if this variant is on the opposite allele (in trans) or on the same allele (in cis) with the pathogenic variants; Nonsense variant predicted to result in protein truncation or nonsense mediated decay in a gene for which loss-of-function is a known mechanism of disease; Not observed at a significant frequency in large population cohorts (Lek et al., 2016); This variant is associated with the following publications: (PMID: 26092869)

Eurofins Ntd Llc (ga)
Classification: Pathogenic. Last evaluated: 2018-05-22. Review status: criteria provided, single submitter. Criteria: EGL ClinVar v180209 classification definitions. Collection method: clinical testing. Allele origin: germline. Observed: 1 variant allele, 1 heterozygote.

UW Hindbrain Malformation Research Program, University of Washington
Classification: Pathogenic for Joubert syndrome 17. Last evaluated: 2015-02-23. Review status: criteria provided, single submitter. Criteria: Bachmann-Gagescu et al. (J Med Genet. 2015). Collection method: research. Allele origin: unknown. Affected: yes.

Neuberg Centre For Genomic Medicine, NCGM
Classification: Pathogenic for Joubert syndrome 17. Review status: criteria provided, single submitter. Criteria: ACMG Guidelines, 2015. Collection method: clinical testing. Allele origin: germline. Inheritance: Autosomal recessive inheritance. Affected: yes.
Comment: The stop gained variant c.2353C>Tp.Arg785Ter in CPLANE1 gene has been reported previously with Joubert syndrome. This variant is also observed with pathogenic CPLANE1 variants in individuals with CPLANE1-related clinical features Bachmann-Gagescu R, et al., 2015. The variant is reported with 0.003% allele frequency in gnomAD Exomes and is novel not in any individuals in 1000 Genomes. This variant has been reported to the ClinVar database as Pathogenic multiple submissions.This variant is predicted to cause loss of normal protein function through protein truncation. Loss of function variants have been previously reported to be disease causing Bachmann-Gagescu R, et al., 2015. For these reasons, this variant has been classified as Pathogenic. For these reasons, this variant has been classified as Pathogenic.

Literature cited by the submitters: PubMed 24178751 (cited by Labcorp Genetics (formerly Invitae), Labcorp); PubMed 26092869 (cited by Labcorp Genetics (formerly Invitae), Labcorp).